The following is an entry in ClinVar:

ClinVar aggregate classification (germline): Uncertain significance. Review status: criteria provided, multiple submitters, no conflicts (2 of 4 stars). 2 submissions from 2 submitters: Uncertain significance (2). Last evaluated 2026-07-21.

Conditions:
Cardiovascular phenotype. Identifiers: MedGen CN230736.

Allele frequency attached by ClinVar (database versions not stated): TOPMed 0.00001.

Submissions (2):

Ambry Genetics
Classification: Uncertain significance for Cardiovascular phenotype. Last evaluated: 2026-07-21. Review status: criteria provided, single submitter. Criteria: Ambry Variant Classification Scheme 2023. Collection method: clinical testing. Allele origin: germline.
Comment: The p.T851A variant (also known as c.2551A>G), located in coding exon 8 of the HCN4 gene, results from an A to G substitution at nucleotide position 2551. The threonine at codon 851 is replaced by alanine, an amino acid with similar properties. This amino acid position is conserved. In addition, this alteration is predicted to be tolerated by in silico analysis. Based on the available evidence, the clinical significance of this variant remains unclear.

GeneDx
Classification: Uncertain significance. Last evaluated: 2017-06-21. Review status: criteria provided, single submitter. Criteria: GeneDx Variant Classification (06012015). Collection method: clinical testing. Allele origin: germline. Affected: yes.
Comment: A variant of uncertain significance has been identified in the HCN4 gene. The T851A variant has not been published as pathogenic or been reported as benign to our knowledge. This variant is not observed in large population cohorts (Lek et al., 2016; 1000 Genomes Consortium et al., 2015; Exome Variant Server). The T851A variant is a non-conservative amino acid substitution, which is likely to impact secondary protein structure as these residues differ in polarity, charge, size and/or other properties. Additionally, this substitution occurs at a position that is conserved in mammals. Nevertheless, in silico analysis is inconsistent in its predictions as to whether or not the variant is damaging to the protein structure/function.

NM_005477.3(HCN4):c.2551A>G (p.Thr851Ala)

Gene: HCN4 (hyperpolarization activated cyclic nucleotide gated potassium channel 4; minus strand). Cytogenetic location: 15q24.1.
Variant type: single nucleotide variant.
Coding change: c.2551A>G on transcript NM_005477.3 (MANE Select); coding-DNA position 2551, A replaced by G.
Protein change: p.Thr851Ala; replaces threonine 851 with alanine.
Molecular consequence: missense variant.
Genome position (GRCh38, 1-based): chr15:73,323,542, T>C on the plus strand (A>G on the coding strand, the complement: HCN4 is on the minus strand). VCF-style: chr15-73323542-T-C. GRCh37 (hg19) VCF-style: chr15-73615883-T-C.
Other names: short protein forms T851A.
Identifiers: ClinVar variation 432844 (VCV000432844.3), dbSNP rs1555475302, ClinGen allele CA393088674.